The following is an entry in ClinVar:

NM_001375524.1(TRRAP):c.4115C>T (p.Ala1372Val)

Gene: TRRAP (transformation/transcription domain associated protein; plus strand). Cytogenetic location: 7q22.1.
Variant type: single nucleotide variant.
Coding change: c.4115C>T on transcript NM_001375524.1 (MANE Select); coding-DNA position 4115, C replaced by T.
Protein change: p.Ala1372Val; replaces alanine 1372 with valine.
Molecular consequence: missense variant.
Genome position (GRCh38, 1-based): chr7:98,937,159, C>T. VCF-style: chr7-98937159-C-T. GRCh37 (hg19) VCF-style: chr7-98534782-C-T.
Other names: c.4115C>T, p.Ala1372Val (NM_001244580.2, NM_003496.4); c.4115C>T (NM_003496.3); short protein forms A1372V.
Identifiers: ClinVar variation 3700369 (VCV003700369.3).

ClinVar aggregate classification (germline): Uncertain significance. Review status: criteria provided, multiple submitters, no conflicts (2 of 4 stars). 2 submissions from 2 submitters: Uncertain significance (2). Last evaluated 2026-09-02.

Conditions:
TRRAP-related disorder. Also called: TRRAP-related condition.

gnomAD v4.1: 1 of 1,605,902 alleles (0.000062%); highest among the groups gnomAD compares: Admixed American, 0.0017%; no homozygotes.

Submissions (2):

PreventionGenetics, part of Exact Sciences
Classification: Uncertain significance for TRRAP-related condition. Last evaluated: 2026-09-02. Review status: criteria provided, single submitter. Criteria: ACMG Guidelines, 2015. Collection method: clinical testing. Allele origin: germline.
Comment: The TRRAP c.4115C>T variant is predicted to result in the amino acid substitution p.Ala1372Val. To our knowledge, this variant has not been reported in the literature. This variant is reported in 0.0031% of alleles in individuals of Latino descent in gnomAD. At this time, the clinical significance of this variant is uncertain due to the absence of conclusive functional and genetic evidence.

Labcorp Genetics (formerly Invitae), Labcorp
Classification: Uncertain significance. Last evaluated: 2025-04-07. Review status: criteria provided, single submitter. Criteria: Invitae Variant Classification Sherloc (09022015). Collection method: clinical testing. Allele origin: germline.
Comment: This sequence change replaces alanine, which is neutral and non-polar, with valine, which is neutral and non-polar, at codon 1372 of the TRRAP protein (p.Ala1372Val). This variant is present in population databases (no rsID available, gnomAD 0.003%). This variant has not been reported in the literature in individuals affected with TRRAP-related conditions. Invitae Evidence Modeling of protein sequence and biophysical properties (such as structural, functional, and spatial information, amino acid conservation, physicochemical variation, residue mobility, and thermodynamic stability) indicates that this missense variant is not expected to disrupt TRRAP protein function with a negative predictive value of 80%. In summary, the available evidence is currently insufficient to determine the role of this variant in disease. Therefore, it has been classified as a Variant of Uncertain Significance.